The following is an entry in ClinVar:

ClinVar aggregate classification (germline): Benign/Likely benign. Review status: criteria provided, multiple submitters, no conflicts (2 of 4 stars). 4 submissions from 4 submitters: Benign (1); Likely benign (3). Last evaluated 2026-01-21.

Conditions:
Combined immunodeficiency due to ORAI1 deficiency. Also called: IMMUNODEFICIENCY 9. Identifiers: Orphanet 169090, Orphanet 317428, MedGen C2748568, MONDO:0013007, OMIM 612782.
Myopathy, tubular aggregate, 2 (TAM2). Identifiers: MedGen C4014557, MONDO:0014383, OMIM 615883.

Allele frequency attached by ClinVar (database versions not stated): gnomAD exomes 0.00013 and 0.00031; ExAC 0.00045; TOPMed 0.00118; 1000 Genomes Project 30x 0.00125; gnomAD 0.00127 and 0.00130; ESP Exome Variant Server 0.00138; 1000 Genomes Project 0.00160.

Submissions (4):

Labcorp Genetics (formerly Invitae), Labcorp
Classification: Benign for Myopathy, tubular aggregate, 2; Combined immunodeficiency due to ORAI1 deficiency. Last evaluated: 2026-01-21. Review status: criteria provided, single submitter. Criteria: Invitae Variant Classification Sherloc (09022015). Collection method: clinical testing. Allele origin: germline.

Blueprint Genetics
Classification: Likely benign. Last evaluated: 2024-10-23. Review status: criteria provided, single submitter. Criteria: ACMG Guidelines, 2015. Collection method: clinical testing. Allele origin: germline.

GeneDx
Classification: Likely benign. Last evaluated: 2016-05-13. Review status: criteria provided, single submitter. Criteria: GeneDx Variant Classification (06012015). Collection method: clinical testing. Allele origin: germline. Affected: yes.
Comment: This variant is considered likely benign or benign based on one or more of the following criteria: it is a conservative change, it occurs at a poorly conserved position in the protein, it is predicted to be benign by multiple in silico algorithms, and/or has population frequency not consistent with disease.

Breakthrough Genomics
Classification: Likely benign. Review status: criteria provided, single submitter. Criteria: ACMG Guidelines, 2015. Collection method: not provided. Allele origin: germline. Inheritance: Autosomal recessive inheritance. Affected: yes.

NM_032790.4(ORAI1):c.576G>A (p.Val192=)

Gene: ORAI1 (ORAI calcium release-activated calcium modulator 1; plus strand). Cytogenetic location: 12q24.31.
Variant type: single nucleotide variant.
Coding change: c.576G>A on transcript NM_032790.4 (MANE Select); coding-DNA position 576, G replaced by A.
Protein change: p.Val192=; no amino-acid change (valine 192 retained).
Genome position (GRCh38, 1-based): chr12:121,641,313, G>A. VCF-style: chr12-121641313-G-A. GRCh37 (hg19) VCF-style: chr12-122079219-G-A.
Identifiers: ClinVar variation 386153 (VCV000386153.14), dbSNP rs373332284, ClinGen allele CA6837520.
Genomic context (GRCh38, chr12:121,641,313, plus strand): 5'-CGAGCTGGCCTGGGCCTTCTCCACCGTCATCGGCACGCTGCTCTTCCTAGCTGAGGTGGT[G>A]CTGCTCTGCTGGGTCAAGTTCTTGCCCCTCAAGAAGCAGCCAGGCCAGCCAAGGCCCACC-3'
Protein context (NP_116179.2, residues 182-202): IGTLLFLAEV[Val192=]LLCWVKFLPL